The following is an entry in ClinVar:

NM_201384.3(PLEC):c.8742C>T (p.Phe2914=)

Gene: PLEC (plectin; minus strand). Cytogenetic location: 8q24.3.
Variant type: single nucleotide variant.
Coding change: c.8742C>T on transcript NM_201384.3 (MANE Select); coding-DNA position 8742, C replaced by T.
Protein change: p.Phe2914=; no amino-acid change (phenylalanine 2914 retained).
Molecular consequence: synonymous variant.
Genome position (GRCh38, 1-based): chr8:143,921,079, G>A on the plus strand (C>T on the coding strand, the complement: PLEC is on the minus strand). VCF-style: chr8-143921079-G-A. GRCh37 (hg19) VCF-style: chr8-144995247-G-A.
Other names: c.8823C>T, p.Phe2941= (NM_000445.5); c.8700C>T, p.Phe2900= (NM_201378.4); c.8676C>T, p.Phe2892= (NM_201379.3); c.9153C>T, p.Phe3051= (NM_201380.4); c.8646C>T, p.Phe2882= (NM_201381.3); c.8742C>T, p.Phe2914= (NM_201382.4); c.8754C>T, p.Phe2918= (NM_201383.3).
Identifiers: ClinVar variation 539023 (VCV000539023.40), dbSNP rs201211875, ClinGen allele CA4925200.
Genomic context (GRCh38, chr8:143,921,079, plus strand): 5'-CGTGAAGTATTCCGAGTTGATGATCTCCCAAATGGTCACCGTCTTGCCCTGGAACTTGCC[G>A]AACGGCGCAGACACGGTGGCCTTCTCAAAGACGTCCCGGGCCTCGGAGTCAGTGTAGACC-3'
Protein context (NP_958786.1, residues 2904-2924): VFEKATVSAP[Phe2914=]GKFQGKTVTI

ClinVar aggregate classification (germline): Conflicting classifications of pathogenicity. Review status: criteria provided, conflicting classifications (1 of 4 stars). 5 submissions from 5 submitters: Uncertain significance (1); Benign (1); Likely benign (3). Last evaluated 2025-07-21.

Conditions:
Epidermolysis bullosa simplex 5B, with muscular dystrophy (EBS5B). Also called: EPIDERMOLYSIS BULLOSA SIMPLEX AND LIMB-GIRDLE MUSCULAR DYSTROPHY; Epidermolysis bullosa simplex with muscular dystrophy. Identifiers: Orphanet 257, MedGen C2931072, MONDO:0009181, OMIM 226670.
Epidermolysis bullosa simplex, Ogna type (EBS5A). Also called: Pidermolysis bullosa simplex 5A, Ogna type; EPIDERMOLYSIS BULLOSA SIMPLEX 5A, OGNA TYPE. Identifiers: Orphanet 79401, MedGen C0432317, MONDO:0007555, OMIM 131950.
Epidermolysis bullosa simplex 5C, with pyloric atresia (EBS5C). Also called: PLEC1-Related Epidermolysis Bullosa with Pyloric Atresia; PLEC-Related Epidermolysis Bullosa with Pyloric Atresia; Epidermolysis bullosa simplex with pyloric atresia. Identifiers: Orphanet 158684, MedGen C2677349, MONDO:0012807, OMIM 612138.
Epidermolysis bullosa simplex with nail dystrophy (EBS5D). Identifiers: MedGen C4225309, MONDO:0014661, OMIM 616487.
Autosomal recessive limb-girdle muscular dystrophy type 2Q (LGMDR17). Also called: MUSCULAR DYSTROPHY, LIMB-GIRDLE, AUTOSOMAL RECESSIVE 17. Identifiers: Orphanet 254361, MedGen C3150989, MONDO:0013390, OMIM 613723.

Allele frequency attached by ClinVar (database versions not stated): gnomAD exomes 0.00011 and 0.00025; gnomAD 0.00019; TOPMed 0.00020; ExAC 0.00027; 1000 Genomes Project 30x 0.00031; 1000 Genomes Project 0.00040.

Submissions (5):

Labcorp Genetics (formerly Invitae), Labcorp
Classification: Likely benign for Autosomal recessive limb-girdle muscular dystrophy type 2Q; Epidermolysis bullosa simplex, Ogna type; Epidermolysis bullosa simplex with nail dystrophy; Epidermolysis bullosa simplex 5C, with pyloric atresia; Epidermolysis bullosa simplex 5B, with muscular dystrophy. Last evaluated: 2025-07-21. Review status: criteria provided, single submitter. Criteria: Invitae Variant Classification Sherloc (09022015). Collection method: clinical testing. Allele origin: germline.

Blueprint Genetics
Classification: Likely benign. Last evaluated: 2024-09-16. Review status: criteria provided, single submitter. Criteria: ACMG Guidelines, 2015. Collection method: clinical testing. Allele origin: germline.

CeGaT Center for Human Genetics Tuebingen
Classification: Likely benign. Last evaluated: 2022-06-01. Review status: criteria provided, single submitter. Criteria: CeGaT Center For Human Genetics Tuebingen Variant Classification Criteria Version 2. Collection method: clinical testing. Allele origin: germline. Affected: yes. Observed: 1 variant allele.
Comment: PLEC: BP4, BP7

Athena Diagnostics
Classification: Benign. Last evaluated: 2021-04-28. Review status: criteria provided, single submitter. Criteria: Athena Diagnostics criteria. Collection method: clinical testing. Allele origin: unknown.

Eurofins Ntd Llc (ga)
Classification: Uncertain significance. Last evaluated: 2018-08-30. Review status: criteria provided, single submitter. Criteria: EGL ClinVar v180209 classification definitions. Collection method: clinical testing. Allele origin: germline. Observed: 4 variant alleles, 4 heterozygotes.